The following is an entry in ClinVar:

ClinVar aggregate classification (germline): Uncertain significance. Review status: criteria provided, multiple submitters, no conflicts (2 of 4 stars). 5 submissions from 5 submitters: Uncertain significance (5). Last evaluated 2025-03-31.

Conditions:
Endometrial carcinoma. Also called: Endometrial carcinoma, somatic. Identifiers: MedGen C0476089, MONDO:0002447, OMIM 608089, HP:0012114.
Lynch syndrome 5 (LYNCH5). Also called: Hereditary non-polyposis colorectal cancer, type 5; Colorectal cancer, hereditary nonpolyposis, type 5. Identifiers: Orphanet 144, MedGen C1833477, MONDO:0013710, OMIM 614350. Disease mechanism: loss of function.
Mismatch repair cancer syndrome 3. Identifiers: MedGen C5436807, MONDO:0030841, OMIM 619097.
Hereditary nonpolyposis colorectal neoplasms. Identifiers: MedGen C0009405, MeSH D003123.
Hereditary cancer-predisposing syndrome. Also called: Tumor predisposition; Hereditary neoplastic syndrome; Neoplastic Syndromes, Hereditary; Hereditary Cancer Syndrome. Identifiers: Orphanet 140162, MedGen C0027672, MeSH D009386, MONDO:0015356.
Lynch syndrome. Identifiers: Orphanet 144, MedGen C4552100, MONDO:0005835. Disease mechanism: loss of function.

Submissions (5):

Labcorp Genetics (formerly Invitae), Labcorp
Classification: Uncertain significance for Hereditary nonpolyposis colorectal neoplasms. Last evaluated: 2025-03-31. Review status: criteria provided, single submitter. Criteria: Invitae Variant Classification Sherloc (09022015). Collection method: clinical testing. Allele origin: germline.
Comment: This sequence change replaces aspartic acid, which is acidic and polar, with asparagine, which is neutral and polar, at codon 422 of the MSH6 protein (p.Asp422Asn). This variant is not present in population databases (gnomAD no frequency). This variant has not been reported in the literature in individuals affected with MSH6-related conditions. ClinVar contains an entry for this variant (Variation ID: 818734). Invitae Evidence Modeling of protein sequence and biophysical properties (such as structural, functional, and spatial information, amino acid conservation, physicochemical variation, residue mobility, and thermodynamic stability) indicates that this missense variant is not expected to disrupt MSH6 protein function with a negative predictive value of 95%. In summary, the available evidence is currently insufficient to determine the role of this variant in disease. Therefore, it has been classified as a Variant of Uncertain Significance.

Department of Pathology and Laboratory Medicine, Sinai Health System
Classification: Uncertain significance for Endometrial carcinoma; Lynch syndrome 5; Mismatch repair cancer syndrome 3. Last evaluated: 2023-06-16. Review status: criteria provided, single submitter. Criteria: ACMG Guidelines, 2015. Collection method: clinical testing. Allele origin: germline. Affected: no.

All of Us Research Program, National Institutes of Health
Classification: Uncertain significance for Lynch syndrome. Last evaluated: 2023-04-27. Review status: criteria provided, single submitter. Criteria: ACMG Guidelines, 2015. Collection method: clinical testing. Allele origin: germline. Inheritance: Autosomal dominant inheritance. Observed: 1 variant allele, 1 heterozygote.
Comment: This study involves interpretation of variants in research participants for the purpose of population health screening. Participant phenotype was not available at the time of variant classification. Additional details can be found in publication PMID: 35346344, PMCID: PMC8962531

Sema4
Classification: Uncertain significance for Hereditary cancer-predisposing syndrome. Last evaluated: 2021-12-13. Review status: criteria provided, single submitter. Criteria: Sema4 Curation Guidelines. Collection method: curation. Allele origin: germline.
Comment: To the best of our knowledge, the MSH6 c.1264G>A (p.D422N) variant has not been reported in individuals with MSH6-related disease. It was not observed in the large and broad cohorts of the Genome Aggregation Database (PMID: 32461654). The variant has been reported in ClinVar (Variation ID 818734). In silico tools suggest the impact of the variant on protein function is deleterious, though these predictions have not been confirmed by functional studies. The evidence is insufficient to meet ACMG/AMP criteria for classifying the variant as benign or pathogenic. Thus, the clinical significance of this variant is currently uncertain.

Ambry Genetics
Classification: Uncertain significance for Hereditary cancer-predisposing syndrome. Last evaluated: 2019-03-02. Review status: criteria provided, single submitter. Criteria: Ambry Variant Classification Scheme 2023. Collection method: clinical testing. Allele origin: germline.
Comment: The p.D422N variant (also known as c.1264G>A), located in coding exon 4 of the MSH6 gene, results from a G to A substitution at nucleotide position 1264. The aspartic acid at codon 422 is replaced by asparagine, an amino acid with highly similar properties. This amino acid position is highly conserved in available vertebrate species. In addition, the in silico prediction for this alteration is inconclusive. In addition, the CoDP in silico tool predicts this alteration to have minor impact on molecular function, with a score of 0.161 (Terui H et al. J. Biomed. Sci. 2013 Apr;20:25). Since supporting evidence is limited at this time, the clinical significance of this alteration remains unclear.

NM_000179.3(MSH6):c.1264G>A (p.Asp422Asn)

Gene: MSH6 (mutS homolog 6; plus strand). Cytogenetic location: 2p16.3.
Variant type: single nucleotide variant.
Coding change: c.1264G>A on transcript NM_000179.3 (MANE Select); coding-DNA position 1264, G replaced by A.
Protein change: p.Asp422Asn; replaces aspartic acid 422 with asparagine.
Molecular consequence: missense variant.
Genome position (GRCh38, 1-based): chr2:47,799,247, G>A. VCF-style: chr2-47799247-G-A. GRCh37 (hg19) VCF-style: chr2-48026386-G-A.
Other names: c.874G>A, p.Asp292Asn (NM_001281492.2); c.358G>A, p.Asp120Asn (NM_001281493.2, NM_001281494.2); short protein forms D292N, D120N, D422N.
Identifiers: ClinVar variation 818734 (VCV000818734.17), dbSNP rs1423874192, ClinGen allele CA346743948.
Genomic context (GRCh38, chr2:47,799,247, plus strand): 5'-TTCCTCAATTCTTGTACTCCTGGGATGAGGAAGTGGTGGCAGATTAAGTCTCAGAACTTT[G>A]ATCTTGTCATCTGTTACAAGGTGGGGAAATTTTATGAGCTGTACCACATGGATGCTCTTA-3'
Protein context (NP_000170.1, residues 412-432): KWWQIKSQNF[Asp422Asn]LVICYKVGKF